The following is an entry in ClinVar:

NM_017415.3(KLHL3):c.1295G>A (p.Ser432Asn)

Gene: KLHL3 (kelch like family member 3; minus strand). Cytogenetic location: 5q31.2.
Variant type: single nucleotide variant.
Coding change: c.1295G>A on transcript NM_017415.3 (MANE Select); coding-DNA position 1295, G replaced by A.
Protein change: p.Ser432Asn; replaces serine 432 with asparagine.
Molecular consequence: missense variant.
Genome position (GRCh38, 1-based): chr5:137,637,320, C>T on the plus strand (G>A on the coding strand, the complement: KLHL3 is on the minus strand). VCF-style: chr5-137637320-C-T. GRCh37 (hg19) VCF-style: chr5-136973009-C-T.
Other names: c.1199G>A, p.Ser400Asn (NM_001257194.1); c.1049G>A, p.Ser350Asn (NM_001257195.2); short protein forms S432N, S350N, S400N.
Identifiers: ClinVar variation 100550 (VCV000100550.5), dbSNP rs199469631, ClinGen allele CA269986.
Genomic context (GRCh38, chr5:137,637,320, plus strand): 5'-TAGGCCTGGCCACTGGCCACTGCCGCCTCCTTACCCTCCACAACGCCCACACCCACACTG[C>T]TCCGCCGCGTGTTCATCGGGGCCACAAAGAACCACTCGTTGGTCTTGTAGCTGTAGGCTT-3'
Protein context (NP_059111.2, residues 422-442): FFVAPMNTRR[Ser432Asn]SVGVGVVEGK

ClinVar aggregate classification (germline): Pathogenic/Likely pathogenic. Review status: criteria provided, multiple submitters, no conflicts (2 of 4 stars). 3 submissions from 3 submitters: Pathogenic (1); Likely pathogenic (1). 1 of the submissions does not count toward it. Last evaluated 2022-03-22.

Conditions:
Pseudohypoaldosteronism type 2D (PHA2D). Also called: FAMILIAL HYPERKALEMIC HYPERTENSION; PSEUDOHYPOALDOSTERONISM, TYPE IID, AUTOSOMAL DOMINANT OR RECESSIVE; Pseudohypoaldosteronism Type IID. Identifiers: Orphanet 300525, Orphanet 757, MedGen C3469605, MONDO:0013781, OMIM 614495.
Pseudohypoaldosteronism type 2A (PHA2A). Also called: GORDON HYPERKALEMIA-HYPERTENSION SYNDROME; HYPERTENSIVE HYPERKALEMIA, FAMILIAL. Identifiers: Orphanet 757, Orphanet 88938, MedGen C1840389, MONDO:0007772, OMIM 145260.

Submissions (3):

Fulgent Genetics
Classification: Likely pathogenic for Pseudohypoaldosteronism type 2D. Last evaluated: 2022-03-22. Review status: criteria provided, single submitter. Criteria: ACMG Guidelines, 2015. Collection method: clinical testing. Allele origin: unknown.

Cardiovascular Genetics Laboratory, PathWest Laboratory Medicine WA - Fiona Stanley Hospital
Classification: Pathogenic for Pseudohypoaldosteronism type 2D. Last evaluated: 2022-01-05. Review status: criteria provided, single submitter. Criteria: ACMG Guidelines, 2015. Collection method: clinical testing. Allele origin: germline.
Comment: The KLHL3 p.Ser432Asn missense variant has previously been identified in Gordon syndrome patients (PMID:22266938, 22406640) and is absent from the gnomAD population database. In silico prediction algorithms suggest this variant is pathogenic. In vitro studies demonstrated that KLHL3 Ser432Asn, a dominant variant located in the Kelch propeller domain, impaired binding of KLHL3 to WNK1 (PMID:23387299).

Richard Lifton Laboratory, Yale University School of Medicine
Classification: Pathogenic for Pseudohypoaldosteronism, type 2. Review status: no assertion criteria provided. Collection method: not provided. Allele origin: germline. Not counted in ClinVar's aggregate classification.
Comment: dominant;Kelch propeller domain
ClinVar note: Converted during submission from pathogenic to Pathogenic.

Literature cited by the submitters: PubMed 22266938 (cited by Cardiovascular Genetics Laboratory, PathWest Laboratory Medicine WA - Fiona Stanley Hospital); PubMed 22406640 (cited by Cardiovascular Genetics Laboratory, PathWest Laboratory Medicine WA - Fiona Stanley Hospital); PubMed 23387299 (cited by Cardiovascular Genetics Laboratory, PathWest Laboratory Medicine WA - Fiona Stanley Hospital).